The following is an entry in ClinVar:

NM_004006.3(DMD):c.10134_10136del (p.Asn3378del)

Gene: DMD (dystrophin; minus strand). Cytogenetic location: Xp21.2.
Variant type: Deletion.
Coding change: c.10134_10136del on transcript NM_004006.3 (MANE Select); coding-DNA positions 10134 to 10136, 3 bases deleted (CAA; older notation c.10134_10136delCAA).
Protein change: p.Asn3378del; deletes asparagine 3378.
Molecular consequence: inframe deletion.
Genome position (GRCh38, 1-based): chrX:31,178,756-31,178,758, TTG deleted on the plus strand (CAA on the coding strand, the reverse complement: DMD is on the minus strand); deleting any 3 consecutive bases within chrX:31,178,756-31,178,760 gives the same sequence; the c. name uses the placement nearest the transcript's 3' end. VCF-style (leftmost placement, unchanged base first): chrX-31178755-TTTG-T. GRCh37 (hg19) VCF-style: chrX-31196872-TTTG-T.
Other names: c.10110_10112del, p.Asn3370del (NM_000109.4); c.10122_10124del, p.Asn3374del (NM_004009.3); c.9765_9767del, p.Asn3255del (NM_004010.3); c.6111_6113del, p.Asn2037del (NM_004011.4); c.6102_6104del, p.Asn2034del (NM_004012.4); c.2754_2756del, p.Asn918del (NM_004013.3, NM_004020.4, NM_004021.3 and 2 more transcripts); c.1947_1949del, p.Asn649del (NM_004014.3); c.930_932del, p.Asn310del (NM_004015.3, NM_004016.3, NM_004017.3 and 2 more transcripts); short protein forms N2034del, N2037del, N310del, N3255del, N3370del, N3374del, N3378del, N649del.
Identifiers: ClinVar variation 1310078 (VCV001310078.3), dbSNP rs2148291719, ClinGen allele CA2573055237.

ClinVar aggregate classification (germline): Uncertain significance. Review status: criteria provided, multiple submitters, no conflicts (2 of 4 stars). 2 submissions from 2 submitters: Uncertain significance (2). Last evaluated 2025-07-23.

Conditions:
Duchenne muscular dystrophy (DMD). Also called: MUSCULAR DYSTROPHY, PSEUDOHYPERTROPHIC PROGRESSIVE, DUCHENNE TYPE; Duchenne Muscular Dystrophy (DMD). Identifiers: Orphanet 98896, MedGen C0013264, MONDO:0010679, OMIM 310200.

Submissions (2):

Labcorp Genetics (formerly Invitae), Labcorp
Classification: Uncertain significance for Duchenne muscular dystrophy. Last evaluated: 2025-07-23. Review status: criteria provided, single submitter. Criteria: Invitae Variant Classification Sherloc (09022015). Collection method: clinical testing. Allele origin: germline.
Comment: This variant, c.10134_10136del, results in the deletion of 1 amino acid(s) of the DMD protein (p.Asn3378del), but otherwise preserves the integrity of the reading frame. This variant is not present in population databases (gnomAD no frequency). This variant has not been reported in the literature in individuals affected with DMD-related conditions. ClinVar contains an entry for this variant (Variation ID: 1310078). Experimental studies and prediction algorithms are not available or were not evaluated, and the functional significance of this variant is currently unknown. In summary, the available evidence is currently insufficient to determine the role of this variant in disease. Therefore, it has been classified as a Variant of Uncertain Significance.

GeneDx
Classification: Uncertain significance. Last evaluated: 2019-11-11. Review status: criteria provided, single submitter. Criteria: GeneDx Variant Classification Process June 2021. Collection method: clinical testing. Allele origin: germline. Affected: yes.
Comment: Not observed in large population cohorts (Lek et al., 2016); In-frame deletion of 1 amino acid in a non-repeat region; Has not been previously published as pathogenic or benign to our knowledge